The following is an entry in ClinVar:

ClinVar aggregate classification (germline): Uncertain significance (1 of 4 stars; one submission).

Conditions:
Senior-Loken syndrome 8 (SLSN8). Identifiers: Orphanet 3156, MedGen C4225376, MONDO:0014579, OMIM 616307.
Asphyxiating thoracic dystrophy 5 (SRTD5). Also called: SHORT-RIB THORACIC DYSPLASIA 5 WITH OR WITHOUT POLYDACTYLY; SHORT-RIB THORACIC DYSPLASIA 5 WITHOUT POLYDACTYLY. Identifiers: Orphanet 474, MedGen C3280598, MONDO:0013717, OMIM 614376.

Allele frequency attached by ClinVar (database versions not stated): gnomAD 0.00001; TOPMed 0.00001.

Submission:

Labcorp Genetics (formerly Invitae), Labcorp
Classification: Uncertain significance for Senior-Loken syndrome 8; Asphyxiating thoracic dystrophy 5. Last evaluated: 2022-01-21. Review status: criteria provided, single submitter. Criteria: Invitae Variant Classification Sherloc (09022015). Collection method: clinical testing. Allele origin: germline.
Comment: In summary, the available evidence is currently insufficient to determine the role of this variant in disease. Therefore, it has been classified as a Variant of Uncertain Significance. Variants that disrupt the consensus splice site are a relatively common cause of aberrant splicing (PMID: 17576681, 9536098). Algorithms developed to predict the effect of sequence changes on RNA splicing suggest that this variant is not likely to affect RNA splicing. This variant has not been reported in the literature in individuals affected with WDR19-related conditions. This variant is not present in population databases (gnomAD no frequency). This sequence change falls in intron 28 of the WDR19 gene. It does not directly change the encoded amino acid sequence of the WDR19 protein. It affects a nucleotide within the consensus splice site.

Literature cited by the submitters: PubMed 17576681; PubMed 9536098.

NM_025132.4(WDR19):c.3183+3A>G

Gene: WDR19 (WD repeat domain 19; plus strand). Cytogenetic location: 4p14.
Variant type: single nucleotide variant.
Coding change: c.3183+3A>G on transcript NM_025132.4 (MANE Select); 3 bases into the intron after coding-DNA position 3183, A replaced by G.
Molecular consequence: intron variant.
Genome position (GRCh38, 1-based): chr4:39,257,557, A>G. VCF-style: chr4-39257557-A-G. GRCh37 (hg19) VCF-style: chr4-39259177-A-G.
Other names: c.2703+3A>G (NM_001317924.2).
Identifiers: ClinVar variation 2165653 (VCV002165653.2), dbSNP rs1733882496, ClinGen allele CA1061339417.